The following is an entry in ClinVar:

ClinVar aggregate classification (germline): Uncertain significance (1 of 4 stars; one submission).

Conditions:
Early-onset Lafora body disease. Also called: Epilepsy, progressive myoclonic, 10. Identifiers: Orphanet 324290, MedGen C4225258, MONDO:0014717, OMIM 616640.

Allele frequency attached by ClinVar (database versions not stated): gnomAD 0.00001.
gnomAD v4.1: 2 of 1,603,666 alleles (0.00012%); highest among the groups gnomAD compares: African/African-American, 0.0028%; no homozygotes.

Submission:

Labcorp Genetics (formerly Invitae), Labcorp
Classification: Uncertain significance for Early-onset Lafora body disease. Last evaluated: 2022-12-06. Review status: criteria provided, single submitter. Criteria: Invitae Variant Classification Sherloc (09022015). Collection method: clinical testing. Allele origin: germline.
Comment: This sequence change replaces leucine, which is neutral and non-polar, with isoleucine, which is neutral and non-polar, at codon 283 of the PRDM8 protein (p.Leu283Ile). This variant is present in population databases (no rsID available, gnomAD 0.01%). This variant has not been reported in the literature in individuals affected with PRDM8-related conditions. ClinVar contains an entry for this variant (Variation ID: 542334). Algorithms developed to predict the effect of missense changes on protein structure and function (SIFT, PolyPhen-2, Align-GVGD) all suggest that this variant is likely to be tolerated. In summary, the available evidence is currently insufficient to determine the role of this variant in disease. Therefore, it has been classified as a Variant of Uncertain Significance.

NM_001099403.2(PRDM8):c.847C>A (p.Leu283Ile)

Gene: PRDM8 (PR/SET domain 8; plus strand). Cytogenetic location: 4q21.21.
Variant type: single nucleotide variant.
Coding change: c.847C>A on transcript NM_001099403.2 (MANE Select); coding-DNA position 847, C replaced by A.
Protein change: p.Leu283Ile; replaces leucine 283 with isoleucine.
Molecular consequence: missense variant.
Genome position (GRCh38, 1-based): chr4:80,202,309, C>A. VCF-style: chr4-80202309-C-A. GRCh37 (hg19) VCF-style: chr4-81123463-C-A.
Other names: c.847C>A, p.Leu283Ile (NM_020226.4); short protein forms L283I.
Identifiers: ClinVar variation 542334 (VCV000542334.9), dbSNP rs1211529205, ClinGen allele CA357395396.